The following is an entry in ClinVar:

ClinVar aggregate classification (germline): Likely benign (1 of 4 stars; one submission).

Submission:

CeGaT Center for Human Genetics Tuebingen
Classification: Likely benign. Last evaluated: 2023-02-01. Review status: criteria provided, single submitter. Criteria: CeGaT Center For Human Genetics Tuebingen Variant Classification Criteria Version 2. Collection method: clinical testing. Allele origin: germline. Affected: yes. Observed: 5 variant alleles.
Comment: METTL22: BS2

NM_024109.4(METTL22):c.1180-104_1180-103insATGTTGTCTAACTACTCTCCTTGCCTGCTCCGTGGCTGAC

Gene: METTL22 (methyltransferase 22, Kin17 lysine; plus strand). Cytogenetic location: 16p13.2.
Variant type: Insertion.
Coding change: c.1180-104_1180-103insATGTTGTCTAACTACTCTCCTTGCCTGCTCCGTGGCTGAC on transcript NM_024109.4 (MANE Select); 104 bases into the intron before coding-DNA position 1180 through 103 bases into the intron before coding-DNA position 1180, ATGTTGTCTAACTACTCTCCTTGCCTGCTCCGTGGCTGAC inserted.
Molecular consequence: intron variant.
Genome position: GRCh38: chr16:8,646,004-8,646,005. GRCh37 (hg19): chr16:8,739,861-8,739,862.
Identifiers: ClinVar variation 2646180 (VCV002646180.24), dbSNP rs2056778495, ClinGen allele CA974436208.